The following is an entry in ClinVar:

ClinVar aggregate classification (germline): Conflicting classifications of pathogenicity. Review status: criteria provided, conflicting classifications (1 of 4 stars). 8 submissions from 8 submitters: Pathogenic (2); Likely pathogenic (3); Uncertain significance (2). 1 of the submissions does not count toward it. Last evaluated 2026-04-14.

Conditions:
Familial intrahepatic cholestasis. Identifiers: Orphanet 284385, MedGen CN296401, MONDO:0017290.
ATP8B1-related disorder. Also called: ATP8B1-related condition; ATP8B1-related disorders.
Progressive familial intrahepatic cholestasis (PFIC). Also called: Progressive family intrahepatic cholestasis; Progressive intrahepatic cholestasis. Identifiers: Orphanet 172, MedGen C0268312, MONDO:0015762.
Progressive familial intrahepatic cholestasis type 1. Also called: BYLER DISEASE; Byler's disease; Severe ATP8B1 Deficiency (Progressive Familial Intrahepatic Cholestasis Type 1 [PFIC1]). Identifiers: Orphanet 79306, MedGen C4551898, MONDO:0008892, OMIM 211600.
Benign recurrent intrahepatic cholestasis type 1. Also called: Mild-to-Moderate ATP8B1 Deficiency (Benign Recurrent Intrahepatic Cholestasis 1 [BRIC1]); SUMMERSKILL SYNDROME. Identifiers: Orphanet 65682, Orphanet 99960, MedGen C4551899, MONDO:0009469, OMIM 243300.
Cholestasis, intrahepatic, of pregnancy, 1 (ICP1). Also called: CHOLESTASIS, PREGNANCY-RELATED, 1. Identifiers: Orphanet 69665, MedGen C3549845, MONDO:0007829, OMIM 147480.

Allele frequency attached by ClinVar (database versions not stated): gnomAD exomes 0.00001 and 0.00002; ExAC 0.00002; gnomAD 0.00002 and 0.00003; TOPMed 0.00002.
gnomAD v4.1: 14 of 1,613,884 alleles (0.00087%); highest among the groups gnomAD compares: Admixed American, 0.0017%; no homozygotes.

Submissions (8):

Genomenon, Inc
Classification: Uncertain significance for Familial intrahepatic cholestasis. Last evaluated: 2026-04-14. Review status: criteria provided, single submitter. Criteria: Genomenon Sequence Variant Interpretation Standards - Updated. Collection method: curation. Allele origin: germline. Affected: yes.
Comment: ATP8B1 p.Gly892Arg (c.2674G>A) is a missense variant that changes the amino acid at residue 892 from Glycine to Arginine. This variant has been observed in at least one proband with features of ATP8B1-deficiency (PMID:28733223;9500542;15239083). It is absent or not present at a significant frequency in gnomAD. In silico models predict that this variant is possibly or probably damaging. In conclusion, we classify ATP8B1 p.Gly892Arg (c.2674G>A) as a variant of uncertain significance.

PreventionGenetics, part of Exact Sciences
Classification: Likely pathogenic for ATP8B1-related condition. Last evaluated: 2025-10-24. Review status: criteria provided, single submitter. Criteria: ACMG Guidelines, 2015. Collection method: clinical testing. Allele origin: germline.
Comment: The ATP8B1 c.2674G>A variant is predicted to result in the amino acid substitution p.Gly892Arg. This variant was reported in the homozygous or compound heterozygous states in patients with both familial and benign recurrent intrahepatic cholestasis (Bull et al. 1998. PubMed ID: 9500542; Klomp et al. 2004. PubMed ID: 15239083; Table S1, Dröge et al. 2017. PubMed ID: 28733223; Table S1, van Wessel et al. 2021. PubMed ID: 33666275; Table S2, Hertel et al. 2021. PubMed ID: 34016879). This variant is reported in 0.0046% of alleles in individuals of European (Finnish) descent in gnomAD. This variant is interpreted as likely pathogenic.

Fulgent Genetics
Classification: Likely pathogenic for Cholestasis, intrahepatic, of pregnancy, 1; Progressive familial intrahepatic cholestasis type 1; Benign recurrent intrahepatic cholestasis type 1. Last evaluated: 2024-06-14. Review status: criteria provided, single submitter. Criteria: ACMG Guidelines, 2015. Collection method: clinical testing. Allele origin: germline.

Women's Health and Genetics/Laboratory Corporation of America, LabCorp
Classification: Likely pathogenic for Progressive familial intrahepatic cholestasis. Last evaluated: 2024-06-14. Review status: criteria provided, single submitter. Criteria: LabCorp Variant Classification Summary - May 2015. Collection method: clinical testing. Allele origin: germline.
Comment: Variant summary: ATP8B1 c.2674G>A (p.Gly892Arg) results in a non-conservative amino acid change in the P-type ATPase, haloacid dehalogenase domain (IPR044492) of the encoded protein sequence. Five of five in-silico tools predict a damaging effect of the variant on protein function. The variant allele was found at a frequency of 2e-05 in 251334 control chromosomes. c.2674G>A has been reported in the literature in individuals affected with Familial Intrahepatic Cholestasis (Bull_1998, Droge_2017, Hertel_2021, Klomp_2004, vanWessel_2021). These data indicate that the variant is likely to be associated with disease. To our knowledge, no experimental evidence demonstrating an impact on protein function has been reported. The following publications have been ascertained in the context of this evaluation (PMID: 9500542, 28733223, 34016879, 15239083, 33666275). ClinVar contains an entry for this variant (Variation ID: 7263). Based on the evidence outlined above, the variant was classified as likely pathogenic.

Baylor Genetics
Classification: Pathogenic for Benign recurrent intrahepatic cholestasis type 1. Last evaluated: 2024-02-28. Review status: criteria provided, single submitter. Criteria: ACMG Guidelines, 2015. Collection method: clinical testing. Allele origin: unknown.

Labcorp Genetics (formerly Invitae), Labcorp
Classification: Pathogenic. Last evaluated: 2023-04-28. Review status: criteria provided, single submitter. Criteria: Invitae Variant Classification Sherloc (09022015). Collection method: clinical testing. Allele origin: germline.
Comment: This sequence change replaces glycine, which is neutral and non-polar, with arginine, which is basic and polar, at codon 892 of the ATP8B1 protein (p.Gly892Arg). For these reasons, this variant has been classified as Pathogenic. Advanced modeling of protein sequence and biophysical properties (such as structural, functional, and spatial information, amino acid conservation, physicochemical variation, residue mobility, and thermodynamic stability) performed at Invitae indicates that this missense variant is expected to disrupt ATP8B1 protein function. ClinVar contains an entry for this variant (Variation ID: 7263). This missense change has been observed in individuals with clinical features of ATP8B1-related conditions (PMID: 9500542, 15239083, 33666275). This variant is present in population databases (rs121909098, gnomAD 0.004%).

Neuberg Centre For Genomic Medicine, NCGM
Classification: Uncertain significance for Progressive familial intrahepatic cholestasis type 1. Review status: criteria provided, single submitter. Criteria: ACMG Guidelines, 2015. Collection method: clinical testing. Allele origin: germline. Inheritance: Autosomal recessive inheritance. Affected: yes.
Comment: The missense variant c.2674G>A (p.Gly892Arg) in ATP8B1 gene has been reported in literature with progressive familial intrahepatic cholestasis type 1( Bull LN et.al.,1998). This variant has been reported to the ClinVar database with one submission as Pathogenic .The p.Gly892Arg variant is novel (not in any individuals) in 1000 Genomes and allele frequency of 0.001989% is reported in gnomAD. The amino acid Gly at position 892 is changed to a Arg changing protein sequence and it might alter its composition and physico-chemical properties. The variant is predicted to be damaging by both SIFT and PolyPhen2. The residue is conserved across species. The amino acid change p.Gly892Arg in ATP8B1 is predicted as conserved by GERP++ and PhyloP across 100 vertebrates. Though the variant has been submitted to ClinVar as Pathogenic, no functional studies have been performed. Hence the variant has been classified as Likely Pathogenic.

OMIM
Classification: Pathogenic for CHOLESTASIS, PROGRESSIVE FAMILIAL INTRAHEPATIC, 1. Last evaluated: 1998-03-01. Review status: no assertion criteria provided. Collection method: literature only. Allele origin: germline. Not counted in ClinVar's aggregate classification.

Literature cited by the submitters: PubMed 28733223 (cited by Genomenon, Inc and Women's Health and Genetics/Laboratory Corporation of America, LabCorp); PubMed 9500542 (cited by 4 submitters); PubMed 15239083 (cited by 3 submitters); PubMed 34016879 (cited by Women's Health and Genetics/Laboratory Corporation of America, LabCorp); PubMed 33666275 (cited by Women's Health and Genetics/Laboratory Corporation of America, LabCorp and Labcorp Genetics (formerly Invitae), Labcorp).

NM_001374385.1(ATP8B1):c.2674G>A (p.Gly892Arg)

Genes: ATP8B1 (ATPase phospholipid transporting 8B1; minus strand), ATP8B1-AS1 (ATP8B1 antisense RNA 1; plus strand). Cytogenetic location: 18q21.31.
Variant type: single nucleotide variant.
Coding change: c.2674G>A on transcript NM_001374385.1 (MANE Select); coding-DNA position 2674, G replaced by A.
Protein change: p.Gly892Arg; replaces glycine 892 with arginine.
Molecular consequence: missense variant.
Genome position (GRCh38, 1-based): chr18:57,661,207, C>T on the plus strand (G>A on the coding strand, the complement: ATP8B1 is on the minus strand). VCF-style: chr18-57661207-C-T. GRCh37 (hg19) VCF-style: chr18-55328439-C-T.
Other names: c.2524G>A, p.Gly842Arg (NM_001374386.1); c.2674G>A, p.Gly892Arg (NM_005603.6); c.2674G>A (NM_005603.4); short protein forms G892R, G842R.
Identifiers: ClinVar variation 7263 (VCV000007263.11), dbSNP rs121909098, ClinGen allele CA254129.